The following is an entry in ClinVar:

NM_003737.4(DCHS1):c.9243C>T (p.Cys3081=)

Gene: DCHS1 (dachsous cadherin-related 1; minus strand). Cytogenetic location: 11p15.4.
Variant type: single nucleotide variant.
Coding change: c.9243C>T on transcript NM_003737.4 (MANE Select); coding-DNA position 9243, C replaced by T.
Protein change: p.Cys3081=; no amino-acid change (cysteine 3081 retained).
Molecular consequence: synonymous variant.
Genome position (GRCh38, 1-based): chr11:6,622,433, G>A on the plus strand (C>T on the coding strand, the complement: DCHS1 is on the minus strand). VCF-style: chr11-6622433-G-A. GRCh37 (hg19) VCF-style: chr11-6643664-G-A.
Identifiers: ClinVar variation 724102 (VCV000724102.29), dbSNP rs147679452, ClinGen allele CA5859297.

ClinVar aggregate classification (germline): Benign/Likely benign. Review status: criteria provided, multiple submitters, no conflicts (2 of 4 stars). 5 submissions from 5 submitters: Benign (1); Likely benign (2). 2 of the submissions do not count toward it. Last evaluated 2026-02-02.

Allele frequency attached by ClinVar (database versions not stated): gnomAD exomes 0.00023 and 0.00028; gnomAD 0.00062 and 0.00063; ExAC 0.00067; TOPMed 0.00085; 1000 Genomes Project 30x 0.00094; 1000 Genomes Project 0.00100; ESP Exome Variant Server 0.00131.
gnomAD v4.1: 415 of 1,555,496 alleles (0.027%); highest among the groups gnomAD compares: African/African-American, 0.25%; 1 homozygote.

Submissions (5):

Labcorp Genetics (formerly Invitae), Labcorp
Classification: Benign. Last evaluated: 2026-02-02. Review status: criteria provided, single submitter. Criteria: Invitae Variant Classification Sherloc (09022015). Collection method: clinical testing. Allele origin: germline.

Blueprint Genetics
Classification: Likely benign. Last evaluated: 2024-11-01. Review status: criteria provided, single submitter. Criteria: ACMG Guidelines, 2015. Collection method: clinical testing. Allele origin: germline.

CeGaT Center for Human Genetics Tuebingen
Classification: Likely benign. Last evaluated: 2024-10-01. Review status: criteria provided, single submitter. Criteria: CeGaT Center For Human Genetics Tuebingen Variant Classification Criteria Version 2. Collection method: clinical testing. Allele origin: germline. Affected: yes. Observed: 2 variant alleles.
Comment: DCHS1: BP4, BP7

Clinical Genetics DNA and cytogenetics Diagnostics Lab, Erasmus MC, Erasmus Medical Center
Classification: Likely benign. Review status: no assertion criteria provided. Collection method: clinical testing. Allele origin: germline. Affected: yes. Study: VKGL Data-share Consensus. Not counted in ClinVar's aggregate classification.

Clinical Genetics, Academic Medical Center
Classification: Benign. Review status: no assertion criteria provided. Collection method: clinical testing. Allele origin: germline. Affected: yes. Study: VKGL Data-share Consensus. Not counted in ClinVar's aggregate classification.